The following is an entry in ClinVar:

ClinVar aggregate classification (germline): Benign (1 of 4 stars; one submission).

Conditions:
Pheochromocytoma/paraganglioma syndrome 5. Also called: Paragangliomas 5; SDHA-Related Hereditary Paraganglioma-Pheochromocytoma Syndrome. Identifiers: Orphanet 29072, MedGen C3279992, MONDO:0013602, OMIM 614165.

Submission:

Myriad Genetics, Inc.
Classification: Benign for Pheochromocytoma/paraganglioma syndrome 5. Last evaluated: 2025-02-28. Review status: criteria provided, single submitter. Criteria: Myriad Autosomal Dominant, Autosomal Recessive and X-Linked Classification Criteria (2023). Collection method: clinical testing. Allele origin: unknown.
Comment: This variant is considered benign. This variant is a silent/synonymous amino acid change and it is not expected to impact splicing.

NM_004168.4(SDHA):c.378C>A (p.Thr126=)

Gene: SDHA (succinate dehydrogenase complex flavoprotein subunit A; plus strand). Cytogenetic location: 5p15.33.
Variant type: single nucleotide variant.
Coding change: c.378C>A on transcript NM_004168.4 (MANE Select); coding-DNA position 378, C replaced by A.
Protein change: p.Thr126=; no amino-acid change (threonine 126 retained).
Molecular consequence: synonymous variant. On other transcripts: intron variant (1).
Genome position (GRCh38, 1-based): chr5:225,484, C>A. VCF-style: chr5-225484-C-A. GRCh37 (hg19) VCF-style: chr5-225599-C-A.
Other names: c.378C>A, p.Thr126= (NM_001330758.2); c.313-399C>A (NM_001294332.2).
Identifiers: ClinVar variation 3904478 (VCV003904478.1).
Genomic context (GRCh38, chr5:225,484, plus strand): 5'-AATCAATGCTGCTCTGGGGAACATGGAGGAGGACAACTGGAGGTGGCATTTCTACGACAC[C>A]GTGAAGGGCTCCGACTGGCTGGGGGACCAGGATGCCATCCACTACATGACGGAGCAGGCC-3'
Protein context (NP_004159.2, residues 116-136): EDNWRWHFYD[Thr126=]VKGSDWLGDQ